The following is an entry in ClinVar:

NM_001261826.3(AP3D1):c.2285C>T (p.Thr762Met)

Gene: AP3D1 (adaptor related protein complex 3 subunit delta 1; minus strand). Cytogenetic location: 19p13.3.
Variant type: single nucleotide variant.
Coding change: c.2285C>T on transcript NM_001261826.3 (MANE Select); coding-DNA position 2285, C replaced by T.
Protein change: p.Thr762Met; replaces threonine 762 with methionine.
Molecular consequence: missense variant.
Genome position (GRCh38, 1-based): chr19:2,115,283, G>A on the plus strand (C>T on the coding strand, the complement: AP3D1 is on the minus strand). VCF-style: chr19-2115283-G-A. GRCh37 (hg19) VCF-style: chr19-2115282-G-A.
Other names: c.2285C>T, p.Thr762Met (NM_001374799.1, NM_003938.8); c.2285C>T (NM_003938.5, NM_001261826.1); short protein forms T762M.
Identifiers: ClinVar variation 1508641 (VCV001508641.8), dbSNP rs760842123, ClinGen allele CA9058939.

ClinVar aggregate classification (germline): Uncertain significance. Review status: criteria provided, multiple submitters, no conflicts (2 of 4 stars). 3 submissions from 3 submitters: Uncertain significance (3). Last evaluated 2025-09-07.

Conditions:
Inborn genetic diseases. Identifiers: MedGen C0950123, MeSH D030342.
AP3D1-related disorder. Also called: AP3D1-related condition.

Allele frequency attached by ClinVar (database versions not stated): ExAC 0.00003; gnomAD 0.00004 and 0.00005; gnomAD exomes 0.00004 and 0.00005; TOPMed 0.00006.
gnomAD v4.1: 65 of 1,613,260 alleles (0.004%); highest among the groups gnomAD compares: Middle Eastern, 0.016%; 1 homozygote.

Submissions (3):

PreventionGenetics, part of Exact Sciences
Classification: Uncertain significance for AP3D1-related condition. Last evaluated: 2025-09-07. Review status: criteria provided, single submitter. Criteria: ACMG Guidelines, 2015. Collection method: clinical testing. Allele origin: germline.
Comment: The AP3D1 c.2285C>T variant is predicted to result in the amino acid substitution p.Thr762Met. To our knowledge, this variant has not been reported in the literature. This variant is present in 0.0095% of alleles in individuals of European (Non-Finnish) descent in gnomAD. At this time, the clinical significance of this variant is uncertain due to the absence of conclusive functional and genetic evidence.

Labcorp Genetics (formerly Invitae), Labcorp
Classification: Uncertain significance. Last evaluated: 2025-01-05. Review status: criteria provided, single submitter. Criteria: Invitae Variant Classification Sherloc (09022015). Collection method: clinical testing. Allele origin: germline.
Comment: This sequence change replaces threonine, which is neutral and polar, with methionine, which is neutral and non-polar, at codon 762 of the AP3D1 protein (p.Thr762Met). This variant is present in population databases (rs760842123, gnomAD 0.01%). This variant has not been reported in the literature in individuals affected with AP3D1-related conditions. ClinVar contains an entry for this variant (Variation ID: 1508641). An algorithm developed to predict the effect of missense changes on protein structure and function (PolyPhen-2) suggests that this variant is likely to be disruptive. In summary, the available evidence is currently insufficient to determine the role of this variant in disease. Therefore, it has been classified as a Variant of Uncertain Significance.

Ambry Genetics
Classification: Uncertain significance for Inborn genetic diseases. Last evaluated: 2022-10-26. Review status: criteria provided, single submitter. Criteria: Ambry Variant Classification Scheme 2023. Collection method: clinical testing. Allele origin: germline.